The following is an entry in ClinVar:

NM_017763.6(RNF43):c.1175G>T (p.Arg392Ile)

Gene: RNF43 (ring finger protein 43; minus strand). Cytogenetic location: 17q22.
Variant type: single nucleotide variant.
Coding change: c.1175G>T on transcript NM_017763.6 (MANE Select); coding-DNA position 1175, G replaced by T.
Protein change: p.Arg392Ile; replaces arginine 392 with isoleucine.
Molecular consequence: missense variant.
Genome position (GRCh38, 1-based): chr17:58,358,601, C>A on the plus strand (G>T on the coding strand, the complement: RNF43 is on the minus strand). VCF-style: chr17-58358601-C-A. GRCh37 (hg19) VCF-style: chr17-56435962-C-A.
Other names: c.1175G>T, p.Arg392Ile (NM_001305544.3); c.794G>T, p.Arg265Ile (NM_001305545.2); short protein forms R265I, R392I.
Identifiers: ClinVar variation 1520378 (VCV001520378.9), dbSNP rs1189701327, ClinGen allele CA400331172.

ClinVar aggregate classification (germline): Uncertain significance. Review status: criteria provided, multiple submitters, no conflicts (2 of 4 stars). 2 submissions from 2 submitters: Uncertain significance (2). Last evaluated 2025-04-05.

Allele frequency attached by ClinVar (database versions not stated): gnomAD exomes below 0.00001; TOPMed below 0.00001; gnomAD 0.00001.

Submissions (2):

Ambry Genetics
Classification: Uncertain significance. Last evaluated: 2025-04-05. Review status: criteria provided, single submitter. Criteria: Ambry Variant Classification Scheme 2023. Collection method: clinical testing. Allele origin: germline.
Comment: The p.R392I variant (also known as c.1175G>T), located in coding exon 8 of the RNF43 gene, results from a G to T substitution at nucleotide position 1175. The arginine at codon 392 is replaced by isoleucine, an amino acid with similar properties. This amino acid position is conserved. In addition, this alteration is predicted to be tolerated by in silico analysis. Based on the available evidence, the clinical significance of this variant remains unclear.

Labcorp Genetics (formerly Invitae), Labcorp
Classification: Uncertain significance. Last evaluated: 2021-02-20. Review status: criteria provided, single submitter. Criteria: Invitae Variant Classification Sherloc (09022015). Collection method: clinical testing. Allele origin: germline.
Comment: In summary, the available evidence is currently insufficient to determine the role of this variant in disease. Therefore, it has been classified as a Variant of Uncertain Significance. Algorithms developed to predict the effect of missense changes on protein structure and function are either unavailable or do not agree on the potential impact of this missense change (SIFT: "Tolerated"; PolyPhen-2: "Possibly Damaging"; Align-GVGD: "Class C0"). This variant has not been reported in the literature in individuals with RNF43-related conditions. This variant is not present in population databases (ExAC no frequency). This sequence change replaces arginine with isoleucine at codon 392 of the RNF43 protein (p.Arg392Ile). The arginine residue is moderately conserved and there is a moderate physicochemical difference between arginine and isoleucine.